The following is an entry in ClinVar:

ClinVar aggregate classification (germline): Uncertain significance (1 of 4 stars; one submission).

Conditions:
Angelman syndrome-like. Identifiers: MedGen CN128785.
Developmental and epileptic encephalopathy, 2 (DEE2). Also called: CDKL5 deficiency disorder; INFANTILE SPASM SYNDROME, X-LINKED 2. Identifiers: Orphanet 1934, Orphanet 3451, Orphanet 505652, MedGen C4750718, MONDO:0010396, OMIM 300672.

Submission:

Labcorp Genetics (formerly Invitae), Labcorp
Classification: Uncertain significance for Developmental and epileptic encephalopathy, 2; Angelman syndrome-like. Last evaluated: 2020-06-30. Review status: criteria provided, single submitter. Criteria: Invitae Variant Classification Sherloc (09022015). Collection method: clinical testing. Allele origin: germline.
Comment: This variant has not been reported in the literature in individuals with CDKL5-related conditions. In summary, the available evidence is currently insufficient to determine the role of this variant in disease. Therefore, it has been classified as a Variant of Uncertain Significance. Experimental studies and prediction algorithms are not available or were not evaluated, and the functional significance of this variant is currently unknown. This variant is not present in population databases (ExAC no frequency). This sequence change results in a premature translational stop signal in the CDKL5 gene (p.Pro950Glnfs*50). While this is not anticipated to result in nonsense mediated decay, it is expected to disrupt the last 81 amino acids of the CDKL5 protein.

NM_003159.3(CDKL5):c.2849del (p.Pro950fs)

Genes: CDKL5 (cyclin dependent kinase like 5; plus strand), RS1 (retinoschisin 1; minus strand). Cytogenetic location: Xp22.13.
Variant type: Deletion.
Coding change: c.2849del on transcript NM_003159.3; coding-DNA position 2849, one base deleted (C; older notation c.2849delC).
Protein change: p.Pro950fs; shifts the reading frame from proline 950.
Molecular consequence: frameshift variant. On other transcripts: intron variant (1).
Genome position (GRCh38, 1-based): chrX:18,650,461, C deleted; the last of 3 consecutive C bases (chrX:18,650,459-18,650,461); deleting any one gives the same sequence. VCF-style (leftmost placement, unchanged base first): chrX-18650458-TC-T. GRCh37 (hg19) VCF-style: chrX-18668578-TC-T.
Other names: c.2849del, p.Pro950fs (NM_001037343.2); c.185-3127del (NM_000330.4); short protein forms P950fs.
Identifiers: ClinVar variation 1045972 (VCV001045972.9), dbSNP rs1927981164, ClinGen allele CA2417989598.